The following is an entry in ClinVar:

NM_170606.3(KMT2C):c.2456T>C (p.Val819Ala)

Gene: KMT2C (lysine methyltransferase 2C; minus strand). Cytogenetic location: 7q36.1.
Variant type: single nucleotide variant.
Coding change: c.2456T>C on transcript NM_170606.3 (MANE Select); coding-DNA position 2456, T replaced by C.
Protein change: p.Val819Ala; replaces valine 819 with alanine.
Molecular consequence: missense variant.
Genome position (GRCh38, 1-based): chr7:152,247,978, A>G on the plus strand (T>C on the coding strand, the complement: KMT2C is on the minus strand). VCF-style: chr7-152247978-A-G. GRCh37 (hg19) VCF-style: chr7-151945063-A-G.
Other names: short protein forms V819A.
Identifiers: ClinVar variation 4681699 (VCV004681699.5).

ClinVar aggregate classification (germline): Uncertain significance (1 of 4 stars; one submission).

Submission:

CeGaT Center for Human Genetics Tuebingen
Classification: Uncertain significance. Last evaluated: 2025-12-01. Review status: criteria provided, single submitter. Criteria: CeGaT Center For Human Genetics Tuebingen Variant Classification Criteria Version 2. Collection method: clinical testing. Allele origin: germline. Affected: yes. Observed: 1 variant allele.
Comment: KMT2C: PM2